The following is an entry in ClinVar:

NM_024312.5(GNPTAB):c.1318G>T (p.Glu440Ter)

Gene: GNPTAB (N-acetylglucosamine-1-phosphate transferase subunits alpha and beta; minus strand). Cytogenetic location: 12q23.2.
Variant type: single nucleotide variant.
Coding change: c.1318G>T on transcript NM_024312.5 (MANE Select); coding-DNA position 1318, G replaced by T.
Protein change: p.Glu440Ter; replaces glutamic acid 440 with a stop codon.
Molecular consequence: nonsense.
Genome position (GRCh38, 1-based): chr12:101,768,127, C>A on the plus strand (G>T on the coding strand, the complement: GNPTAB is on the minus strand). VCF-style: chr12-101768127-C-A. GRCh37 (hg19) VCF-style: chr12-102161905-C-A.
Other names: short protein forms E440*.
Identifiers: ClinVar variation 5015712 (VCV005015712.1).

ClinVar aggregate classification (germline): Pathogenic (1 of 4 stars; one submission).

Conditions:
GNPTAB-mucolipidosis. Also called: UDP-N-acetylglucosamine-1-phosphotransferase subunit alpha/beta deficiency. Identifiers: MedGen CN322573, MONDO:0100122.

Submission:

Myriad Genetics, Inc.
Classification: Pathogenic for GNPTAB-mucolipidosis. Last evaluated: 2026-03-22. Review status: criteria provided, single submitter. Criteria: Myriad Autosomal Dominant, Autosomal Recessive and X-Linked Classification Criteria (2023). Collection method: clinical testing. Allele origin: unknown.
Comment: NM_024312.4(GNPTAB):c.1318G>T(E440*) is expected to be pathogenic in the context of GNPTAB-related disorders. This variant is predicted to lead to an abnormal or absent protein product due to the creation of a premature termination codon in GNPTAB, a gene where loss-of-function variants are known to be pathogenic. Please note: this variant was assessed in the context of healthy population screening.